The following is an entry in ClinVar:

ClinVar aggregate classification (germline): Uncertain significance. Review status: criteria provided, multiple submitters, no conflicts (2 of 4 stars). 2 submissions from 2 submitters: Uncertain significance (2). Last evaluated 2026-09-30.

Allele frequency attached by ClinVar (database versions not stated): gnomAD exomes 0.00001.
gnomAD v4.1: 8 of 1,614,112 alleles (0.0005%); highest among the groups gnomAD compares: Non-Finnish European, 0.00068%; no homozygotes.

Submissions (2):

GeneDx
Classification: Uncertain significance. Last evaluated: 2026-09-30. Review status: criteria provided, single submitter. Criteria: GeneDx Variant Classification Process June 2021. Collection method: clinical testing. Allele origin: germline.
Comment: Not observed at significant frequency in large population cohorts (gnomAD); In silico analysis supports that this missense variant has a deleterious effect on protein structure/function; Occurs in the triple helical domain at the X position in the canonical Gly-X-Y repeat; although this variant may have an effect on normal protein folding and function, missense substitution at the X position is not a common mechanism of disease (HGMD); Has not been previously published as pathogenic or benign to our knowledge

Labcorp Genetics (formerly Invitae), Labcorp
Classification: Uncertain significance. Last evaluated: 2025-03-25. Review status: criteria provided, single submitter. Criteria: Invitae Variant Classification Sherloc (09022015). Collection method: clinical testing. Allele origin: germline.
Comment: This sequence change replaces proline, which is neutral and non-polar, with histidine, which is basic and polar, at codon 1189 of the COL2A1 protein (p.Pro1189His). This variant is not present in population databases (gnomAD no frequency). This variant has not been reported in the literature in individuals affected with COL2A1-related conditions. ClinVar contains an entry for this variant (Variation ID: 388165). Invitae Evidence Modeling of protein sequence and biophysical properties (such as structural, functional, and spatial information, amino acid conservation, physicochemical variation, residue mobility, and thermodynamic stability) has been performed for this missense variant. However, the output from this modeling did not meet the statistical confidence thresholds required to predict the impact of this variant on COL2A1 protein function. In summary, the available evidence is currently insufficient to determine the role of this variant in disease. Therefore, it has been classified as a Variant of Uncertain Significance.

NM_001844.5(COL2A1):c.3566C>A (p.Pro1189His)

Gene: COL2A1 (collagen type II alpha 1 chain; minus strand). Cytogenetic location: 12q13.11.
Variant type: single nucleotide variant.
Coding change: c.3566C>A on transcript NM_001844.5 (MANE Select); coding-DNA position 3566, C replaced by A.
Protein change: p.Pro1189His; replaces proline 1189 with histidine.
Molecular consequence: missense variant.
Genome position (GRCh38, 1-based): chr12:47,975,994, G>T on the plus strand (C>A on the coding strand, the complement: COL2A1 is on the minus strand). VCF-style: chr12-47975994-G-T. GRCh37 (hg19) VCF-style: chr12-48369777-G-T.
Other names: c.3359C>A, p.Pro1120His (NM_033150.3); short protein forms P1189H, P1120H.
Identifiers: ClinVar variation 388165 (VCV000388165.5), dbSNP rs755010259, ClinGen allele CA16606285.
Genomic context (GRCh38, chr12:47,975,994, plus strand): 5'-GACAGCAGGGAAGGAGTCAGGACACTTACAGCAGGGCCGGTTTCGCCTGATCGTCCACGG[G>T]GACCAGGAGGCCCAATGGGGCCAGGGATTCCATTAGCACCATCTTTGCCAGAGGGACCGA-3'
Protein context (NP_001835.3, residues 1179-1199): GIPGPIGPPG[Pro1189His]RGRSGETGPA